The following is an entry in ClinVar:

NM_178012.5(TUBB2B):c.337G>T (p.Val113Phe)

Gene: TUBB2B (tubulin beta 2B class IIb; minus strand). Cytogenetic location: 6p25.2.
Variant type: single nucleotide variant.
Coding change: c.337G>T on transcript NM_178012.5 (MANE Select); coding-DNA position 337, G replaced by T.
Protein change: p.Val113Phe; replaces valine 113 with phenylalanine.
Molecular consequence: missense variant.
Genome position (GRCh38, 1-based): chr6:3,225,752, C>A on the plus strand (G>T on the coding strand, the complement: TUBB2B is on the minus strand). VCF-style: chr6-3225752-C-A. GRCh37 (hg19) VCF-style: chr6-3225986-C-A.
Other names: short protein forms V113F.
Identifiers: ClinVar variation 4538770 (VCV004538770.1).
Genomic context (GRCh38, chr6:3,225,752, plus strand): 5'-AGCCCTGGAGACAGTCACAGCTCTCTGACTCCTTCCTCACCACATCCAGGACCGAGTCGA[C>A]CAGCTCGGCTCCCTCTGTGTAGTGGCCCTTGGCCCAGTTATTCCCGGCTCCACTCTGGCC-3'
Protein context (NP_821080.1, residues 103-123): KGHYTEGAEL[Val113Phe]DSVLDVVRKE

ClinVar aggregate classification (germline): Uncertain significance (1 of 4 stars; one submission).

Submission:

GeneDx
Classification: Uncertain significance. Last evaluated: 2025-06-17. Review status: criteria provided, single submitter. Criteria: GeneDx Variant Classification Process June 2021. Collection method: clinical testing. Allele origin: germline. Affected: yes.
Comment: Not observed at significant frequency in large population cohorts (gnomAD); Missense variants in this gene are a common cause of disease and they are underrepresented in the general population; In silico analysis supports that this missense variant has a deleterious effect on protein structure/function; Has not been previously published as pathogenic or benign to our knowledge; This variant is associated with the following publications: (PMID: 24860126)